The following is an entry in ClinVar:

NM_005751.5(AKAP9):c.6275A>G (p.Gln2092Arg)

Gene: AKAP9 (A-kinase anchoring protein 9; plus strand). Cytogenetic location: 7q21.2.
Variant type: single nucleotide variant.
Coding change: c.6275A>G on transcript NM_005751.5 (MANE Select); coding-DNA position 6275, A replaced by G.
Protein change: p.Gln2092Arg; replaces glutamine 2092 with arginine.
Molecular consequence: missense variant.
Genome position (GRCh38, 1-based): chr7:92,066,491, A>G. VCF-style: chr7-92066491-A-G. GRCh37 (hg19) VCF-style: chr7-91695805-A-G.
Other names: c.920A>G, p.Gln307Arg (NM_001379277.1); c.6275A>G, p.Gln2092Arg (NM_147185.3); short protein forms Q2092R, Q307R.
Identifiers: ClinVar variation 3670113 (VCV003670113.2).

ClinVar aggregate classification (germline): Uncertain significance (1 of 4 stars; one submission).

Conditions:
Long QT syndrome (LQTS). Identifiers: MedGen C0023976, MeSH D008133, MONDO:0002442. Disease mechanism: loss of function. Inheritance: Various modes of inheritance.

Submission:

Labcorp Genetics (formerly Invitae), Labcorp
Classification: Uncertain significance for Long QT syndrome. Last evaluated: 2024-03-18. Review status: criteria provided, single submitter. Criteria: Invitae Variant Classification Sherloc (09022015). Collection method: clinical testing. Allele origin: germline.
Comment: This sequence change replaces glutamine, which is neutral and polar, with arginine, which is basic and polar, at codon 2092 of the AKAP9 protein (p.Gln2092Arg). This variant is not present in population databases (gnomAD no frequency). This variant has not been reported in the literature in individuals affected with AKAP9-related conditions. An algorithm developed to predict the effect of missense changes on protein structure and function (PolyPhen-2) suggests that this variant is likely to be disruptive. In summary, the available evidence is currently insufficient to determine the role of this variant in disease. Therefore, it has been classified as a Variant of Uncertain Significance.